The following is an entry in ClinVar:

NM_000202.8(IDS):c.1417C>T (p.Pro473Ser)

Gene: IDS (iduronate 2-sulfatase; minus strand). Cytogenetic location: Xq28.
Variant type: single nucleotide variant.
Coding change: c.1417C>T on transcript NM_000202.8 (MANE Select); coding-DNA position 1417, C replaced by T.
Protein change: p.Pro473Ser; replaces proline 473 with serine.
Molecular consequence: missense variant.
Genome position (GRCh38, 1-based): chrX:149,482,982, G>A on the plus strand (C>T on the coding strand, the complement: IDS is on the minus strand). VCF-style: chrX-149482982-G-A. GRCh37 (hg19) VCF-style: chrX-148564513-G-A.
Other names: c.1147C>T, p.Pro383Ser (NM_001166550.4); short protein forms P383S, P473S.
Identifiers: ClinVar variation 1186178 (VCV001186178.15), dbSNP rs2123994315, ClinGen allele CA414518143.
Genomic context (GRCh38, chrX:149,482,982, plus strand): 5'-GTATGGAATAGCCCATGATCTTTATATCTTTTAAACTCGGCTTGTCAGAATTCCACTGAG[G>A]GATGTCTGAAGGCCGGGGATACTGGCTATAGGCAATCAGTTCACGGGGATTACCAGGGAG-3'
Protein context (NP_000193.1, residues 463-483): YSQYPRPSDI[Pro473Ser]QWNSDKPSLK

ClinVar aggregate classification (germline): Uncertain significance. Review status: criteria provided, multiple submitters, no conflicts (2 of 4 stars). 3 submissions from 3 submitters: Uncertain significance (3). Last evaluated 2024-12-08.

Conditions:
Mucopolysaccharidosis, MPS-II (MPS2). Also called: Mucopolysaccharidosis with skin involvement; IDS deficiency; Sulfoiduronate sulfatase deficiency; SIDS deficiency; Mucopolysaccharidosis Type II; Mucopolysaccharidosis type 2. Identifiers: Orphanet 580, Orphanet 79388, MedGen C0026705, MONDO:0010674, OMIM 309900.

Allele frequency attached by ClinVar (database versions not stated): gnomAD exomes below 0.00001.
gnomAD v4.1: 3 of 1,210,997 alleles (0.00025%); highest among the groups gnomAD compares: Non-Finnish European, 0.00034%; no homozygotes.

Submissions (3):

GeneDx
Classification: Uncertain significance. Last evaluated: 2024-12-08. Review status: criteria provided, single submitter. Criteria: GeneDx Variant Classification Process June 2021. Collection method: clinical testing. Allele origin: germline. Affected: yes.
Comment: Not observed at significant frequency in large population cohorts (gnomAD); In silico analysis supports that this missense variant has a deleterious effect on protein structure/function; This variant is associated with the following publications: (PMID: 33124617, 36907694, 33117908)

Revvity Omics, Revvity
Classification: Uncertain significance for Mucopolysaccharidosis, MPS-II. Last evaluated: 2023-09-14. Review status: criteria provided, single submitter. Criteria: ACMG Guidelines, 2015. Collection method: clinical testing. Allele origin: germline.

Labcorp Genetics (formerly Invitae), Labcorp
Classification: Uncertain significance for Mucopolysaccharidosis, MPS-II. Last evaluated: 2021-04-16. Review status: criteria provided, single submitter. Criteria: Invitae Variant Classification Sherloc (09022015). Collection method: clinical testing. Allele origin: germline.
Comment: In summary, the available evidence is currently insufficient to determine the role of this variant in disease. Therefore, it has been classified as a Variant of Uncertain Significance. Advanced modeling of protein sequence and biophysical properties (such as structural, functional, and spatial information, amino acid conservation, physicochemical variation, residue mobility, and thermodynamic stability) performed at Invitae indicates that this missense variant is expected to disrupt IDS protein function. This variant has not been reported in the literature in individuals with IDS-related conditions. This variant is not present in population databases (ExAC no frequency). This sequence change replaces proline with serine at codon 473 of the IDS protein (p.Pro473Ser). The proline residue is highly conserved and there is a moderate physicochemical difference between proline and serine.